The following is an entry in ClinVar:

ClinVar aggregate classification (germline): Uncertain significance (1 of 4 stars; one submission).

Conditions:
Posterior column ataxia-retinitis pigmentosa syndrome (RETSNS). Also called: RETINOPATHY-SENSORY NEUROPATHY SYNDROME. Identifiers: Orphanet 88628, MedGen C1836916, MONDO:0012177, OMIM 609033.

Submission:

Baylor Genetics
Classification: Uncertain significance for Posterior column ataxia-retinitis pigmentosa syndrome. Last evaluated: 2020-01-15. Review status: criteria provided, single submitter. Criteria: ACMG Guidelines, 2015. Collection method: clinical testing. Allele origin: unknown. Affected: yes.
Comment: This variant was determined to be of uncertain significance according to ACMG Guidelines, 2015 [PMID:25741868].

NM_014053.4(FLVCR1):c.1516A>T (p.Ile506Leu)

Gene: FLVCR1 (FLVCR choline and heme transporter 1; plus strand). Cytogenetic location: 1q32.3.
Variant type: single nucleotide variant.
Coding change: c.1516A>T on transcript NM_014053.4 (MANE Select); coding-DNA position 1516, A replaced by T.
Protein change: p.Ile506Leu; replaces isoleucine 506 with leucine.
Molecular consequence: missense variant.
Genome position (GRCh38, 1-based): chr1:212,889,248, A>T. VCF-style: chr1-212889248-A-T. GRCh37 (hg19) VCF-style: chr1-213062590-A-T.
Other names: short protein forms I506L.
Identifiers: ClinVar variation 1031236 (VCV001031236.1), dbSNP rs1665131014, ClinGen allele CA344793973.